The following is an entry in ClinVar:

NM_005733.3(KIF20A):c.752T>C (p.Ile251Thr)

Gene: KIF20A (kinesin family member 20A; plus strand). Cytogenetic location: 5q31.2.
Variant type: single nucleotide variant.
Coding change: c.752T>C on transcript NM_005733.3 (MANE Select); coding-DNA position 752, T replaced by C.
Protein change: p.Ile251Thr; replaces isoleucine 251 with threonine.
Molecular consequence: missense variant.
Genome position (GRCh38, 1-based): chr5:138,182,910, T>C. VCF-style: chr5-138182910-T-C. GRCh37 (hg19) VCF-style: chr5-137518599-T-C.
Other names: short protein forms I251T.
Identifiers: ClinVar variation 2715477 (VCV002715477.3), dbSNP rs753548639, ClinGen allele CA3426394.

ClinVar aggregate classification (germline): Uncertain significance (1 of 4 stars; one submission).

Allele frequency attached by ClinVar (database versions not stated): gnomAD exomes below 0.00001; gnomAD 0.00001; ExAC 0.00002.

Submission:

Labcorp Genetics (formerly Invitae), Labcorp
Classification: Uncertain significance. Last evaluated: 2025-11-09. Review status: criteria provided, single submitter. Criteria: Invitae Variant Classification Sherloc (09022015). Collection method: clinical testing. Allele origin: germline.
Comment: This sequence change replaces isoleucine, which is neutral and non-polar, with threonine, which is neutral and polar, at codon 251 of the KIF20A protein (p.Ile251Thr). This variant is present in population databases (rs753548639, gnomAD 0.02%). This variant has not been reported in the literature in individuals affected with KIF20A-related conditions. ClinVar contains an entry for this variant (Variation ID: 2715477). An algorithm developed to predict the effect of missense changes on protein structure and function outputs the following: PolyPhen-2: "Benign". The threonine amino acid residue is found in multiple mammalian species, which suggests that this missense change does not adversely affect protein function. In summary, the available evidence is currently insufficient to determine the role of this variant in disease. Therefore, it has been classified as a Variant of Uncertain Significance.